The following is an entry in ClinVar:

ClinVar aggregate classification (germline): Likely benign (0 of 4 stars; one submission).

Conditions:
PHC1-related disorder. Also called: PHC1-related condition.

Allele frequency attached by ClinVar (database versions not stated): ExAC 0.00001.

Submission:

PreventionGenetics, part of Exact Sciences
Classification: Likely benign for PHC1-related condition. Last evaluated: 2019-05-28. Review status: no assertion criteria provided. Collection method: clinical testing. Allele origin: germline.
Comment: This variant is classified as likely benign based on ACMG/AMP sequence variant interpretation guidelines (Richards et al. 2015 PMID: 25741868, with internal and published modifications).

NM_004426.3(PHC1):c.1224G>A (p.Gln408=)

Gene: PHC1 (polyhomeotic homolog 1; plus strand). Cytogenetic location: 12p13.31.
Variant type: single nucleotide variant.
Coding change: c.1224G>A on transcript NM_004426.3 (MANE Select); coding-DNA position 1224, G replaced by A.
Protein change: p.Gln408=; no amino-acid change (glutamine 408 retained).
Molecular consequence: synonymous variant. On other transcripts: non-coding transcript variant (1).
Genome position (GRCh38, 1-based): chr12:8,932,681, G>A. VCF-style: chr12-8932681-G-A. GRCh37 (hg19) VCF-style: chr12-9085277-G-A.
Other names: c.1224G>A, p.Gln408= (NM_001413738.1, NM_001413744.1, NM_001413745.1 and 4 more transcripts); c.1218G>A, p.Gln406= (NM_001413739.1); c.1200G>A, p.Gln400= (NM_001413740.1, NM_001413750.1, NM_001413751.1 and 1 more transcripts); c.1113G>A, p.Gln371= (NM_001413741.1); c.1068G>A, p.Gln356= (NM_001413742.1, NM_001413743.1); c.1074G>A, p.Gln358= (NM_001413753.1, NM_001413754.1).
Identifiers: ClinVar variation 3044952 (VCV003044952.2), dbSNP rs768420929, ClinGen allele CA6436980.